The following is an entry in ClinVar:

NM_006947.4(SRP72):c.820A>G (p.Asn274Asp)

Gene: SRP72 (signal recognition particle 72; plus strand). Cytogenetic location: 4q12.
Variant type: single nucleotide variant.
Coding change: c.820A>G on transcript NM_006947.4 (MANE Select); coding-DNA position 820, A replaced by G.
Protein change: p.Asn274Asp; replaces asparagine 274 with aspartic acid.
Molecular consequence: missense variant. On other transcripts: non-coding transcript variant (1), intron variant (1).
Genome position (GRCh38, 1-based): chr4:56,478,644, A>G. VCF-style: chr4-56478644-A-G. GRCh37 (hg19) VCF-style: chr4-57344810-A-G.
Other names: c.642+1942A>G (NM_001267722.2); short protein forms N274D.
Identifiers: ClinVar variation 4841461 (VCV004841461.1).
Genomic context (GRCh38, chr4:56,478,644, plus strand): 5'-GTTCACAGACCAACAGATGTGGGATTACTAGCTGTAATTGCAAATAACATCATTACCATT[A>G]ACAAGGTATGGAGTATTTGTGCTTTCCATAGATATATTTTACCCTGAAAGCTCATCACCC-3'
Protein context (NP_008878.3, residues 264-284): AVIANNIITI[Asn274Asp]KDQNVFDSKK

ClinVar aggregate classification (germline): Uncertain significance (1 of 4 stars; one submission).

Submission:

Ambry Genetics
Classification: Uncertain significance. Last evaluated: 2026-01-14. Review status: criteria provided, single submitter. Criteria: Ambry Variant Classification Scheme 2023. Collection method: clinical testing. Allele origin: germline.
Comment: The p.N274D variant (also known as c.820A>G), located in coding exon 8 of the SRP72 gene, results from an A to G substitution at nucleotide position 820. The asparagine at codon 274 is replaced by aspartic acid, an amino acid with highly similar properties. This amino acid position is conserved. In addition, the in silico prediction for this alteration is inconclusive. Based on the available evidence, the clinical significance of this variant remains unclear.